The following is an entry in ClinVar:

NM_000143.4(FH):c.1435G>T (p.Gly479Ter)

Gene: FH (fumarate hydratase; minus strand). Cytogenetic location: 1q43.
Variant type: single nucleotide variant.
Coding change: c.1435G>T on transcript NM_000143.4 (MANE Select); coding-DNA position 1435, G replaced by T.
Protein change: p.Gly479Ter; replaces glycine 479 with a stop codon.
Molecular consequence: nonsense.
Genome position (GRCh38, 1-based): chr1:241,497,926, C>A on the plus strand (G>T on the coding strand, the complement: FH is on the minus strand). VCF-style: chr1-241497926-C-A. GRCh37 (hg19) VCF-style: chr1-241661226-C-A.
Other names: short protein forms G479*.
Identifiers: ClinVar variation 658197 (VCV000658197.13), dbSNP rs1573876584, ClinGen allele CA345450709.

ClinVar aggregate classification (germline): Pathogenic/Likely pathogenic. Review status: criteria provided, multiple submitters, no conflicts (2 of 4 stars). 3 submissions from 3 submitters: Pathogenic (2); Likely pathogenic (1). Last evaluated 2025-07-07.

Conditions:
Hereditary cancer-predisposing syndrome. Also called: Neoplastic Syndromes, Hereditary; Hereditary neoplastic syndrome; Hereditary Cancer Syndrome; Tumor predisposition. Identifiers: Orphanet 140162, MedGen C0027672, MeSH D009386, MONDO:0015356.
Fumarase deficiency (FMRD). Also called: Fumaric aciduria; Fumarate Hydratase Deficiency. Identifiers: Orphanet 24, MedGen C0342770, MONDO:0011730, OMIM 606812.

Submissions (3):

Natera, Inc.
Classification: Likely pathogenic for Fumarase Deficiency. Last evaluated: 2025-07-07. Review status: criteria provided, single submitter. Criteria: Natera Variant Classification Schema (03/2026). Collection method: clinical testing. Allele origin: germline.
Comment: The c.1435G>T variant in FH is a nonsense variant predicted to introduce a stop codon at amino acid 479. This variant is expected to result in nonsense mediated decay, truncation, or a dysfunctional protein product. This variant is rare in the general population with a frequency below the threshold expected for the associated phenotype(s). Given the available evidence, this variant is classified as Likely Pathogenic.

Ambry Genetics
Classification: Pathogenic for Hereditary cancer-predisposing syndrome. Last evaluated: 2025-02-14. Review status: criteria provided, single submitter. Criteria: Ambry Variant Classification Scheme 2023. Collection method: clinical testing. Allele origin: germline.
Comment: The p.G479* pathogenic mutation (also known as c.1435G>T), located in coding exon 10 of the FH gene, results from a G to T substitution at nucleotide position 1435. This changes the amino acid from a glycine to a stop codon within coding exon 10. This alteration occurs at the 3' terminus of theFH gene, is not expected to trigger nonsense-mediated mRNA decay, and impacts the last 6.3% of the protein. However, premature stop codons are typically deleterious in nature and the impacted region is critical for protein function (Ambry internal data).This variant was reported in individual(s) with features consistent with hereditary leiomyomatosis and renal cell cancer (HLRCC) (Ambry internal data). This variant is considered to be rare based on population cohorts in the Genome Aggregation Database (gnomAD). Based on the supporting evidence, this variant is interpreted as a disease-causing mutation.

Labcorp Genetics (formerly Invitae), Labcorp
Classification: Pathogenic. Last evaluated: 2023-04-23. Review status: criteria provided, single submitter. Criteria: Invitae Variant Classification Sherloc (09022015). Collection method: clinical testing. Allele origin: germline.
Comment: This sequence change creates a premature translational stop signal (p.Gly479*) in the FH gene. While this is not anticipated to result in nonsense mediated decay, it is expected to disrupt the last 32 amino acid(s) of the FH protein. This variant is not present in population databases (gnomAD no frequency). This variant has not been reported in the literature in individuals affected with FH-related conditions. ClinVar contains an entry for this variant (Variation ID: 658197). Experimental studies and prediction algorithms are not available or were not evaluated, and the functional significance of this variant is currently unknown. This variant disrupts a region of the FH protein in which other variant(s) (p.Trp500*) have been determined to be pathogenic (PMID: 9635293, 21398687). This suggests that this is a clinically significant region of the protein, and that variants that disrupt it are likely to be disease-causing. For these reasons, this variant has been classified as Pathogenic.

Literature cited by the submitters: PubMed 9635293 (cited by Labcorp Genetics (formerly Invitae), Labcorp); PubMed 21398687 (cited by Labcorp Genetics (formerly Invitae), Labcorp).